The following is an entry in ClinVar:

NM_001458.5(FLNC):c.1373C>T (p.Pro458Leu)

Gene: FLNC (filamin C; plus strand). Cytogenetic location: 7q32.1.
Variant type: single nucleotide variant.
Coding change: c.1373C>T on transcript NM_001458.5 (MANE Select); coding-DNA position 1373, C replaced by T.
Protein change: p.Pro458Leu; replaces proline 458 with leucine.
Molecular consequence: missense variant.
Genome position (GRCh38, 1-based): chr7:128,838,765, C>T. VCF-style: chr7-128838765-C-T. GRCh37 (hg19) VCF-style: chr7-128478819-C-T.
Other names: c.1373C>T, p.Pro458Leu (NM_001127487.2); short protein forms P458L.
Identifiers: ClinVar variation 4812621 (VCV004812621.1).

ClinVar aggregate classification (germline): Uncertain significance (1 of 4 stars; one submission).

Conditions:
Hypertrophic cardiomyopathy 26. Also called: Cardiomyopathy, familial hypertrophic, 26. Identifiers: Orphanet 75249, MedGen C4310749, MONDO:0014883, OMIM 617047.
Myofibrillar myopathy 5. Also called: Filaminopathy (type); FILAMINOPATHY, AUTOSOMAL DOMINANT. Identifiers: Orphanet 171445, MedGen C1836050, MONDO:0012289, OMIM 609524.
Distal myopathy with posterior leg and anterior hand involvement. Also called: WILLIAMS DISTAL MYOPATHY. Identifiers: Orphanet 63273, MedGen C3279722, MONDO:0013550, OMIM 614065.

Submission:

Labcorp Genetics (formerly Invitae), Labcorp
Classification: Uncertain significance for Distal myopathy with posterior leg and anterior hand involvement; Myofibrillar myopathy 5; Hypertrophic cardiomyopathy 26. Last evaluated: 2026-01-05. Review status: criteria provided, single submitter. Criteria: Invitae Variant Classification Sherloc (09022015). Collection method: clinical testing. Allele origin: germline.
Comment: This sequence change replaces proline, which is neutral and non-polar, with leucine, which is neutral and non-polar, at codon 458 of the FLNC protein (p.Pro458Leu). This variant is not present in population databases (gnomAD no frequency). This variant has not been reported in the literature in individuals affected with FLNC-related conditions. Invitae Evidence Modeling of protein sequence and biophysical properties (such as structural, functional, and spatial information, amino acid conservation, physicochemical variation, residue mobility, and thermodynamic stability) has been performed for this missense variant. However, the output from this modeling did not meet the statistical confidence thresholds required to predict the impact of this variant on FLNC protein function. In summary, the available evidence is currently insufficient to determine the role of this variant in disease. Therefore, it has been classified as a Variant of Uncertain Significance.